The following is an entry in ClinVar:

NM_001080467.3(MYO5B):c.2122C>T (p.Arg708Trp)

Gene: MYO5B (myosin VB; minus strand). Cytogenetic location: 18q21.1.
Variant type: single nucleotide variant.
Coding change: c.2122C>T on transcript NM_001080467.3 (MANE Select); coding-DNA position 2122, C replaced by T.
Protein change: p.Arg708Trp; replaces arginine 708 with tryptophan.
Molecular consequence: missense variant.
Genome position (GRCh38, 1-based): chr18:49,912,142, G>A on the plus strand (C>T on the coding strand, the complement: MYO5B is on the minus strand). VCF-style: chr18-49912142-G-A. GRCh37 (hg19) VCF-style: chr18-47438512-G-A.
Other names: short protein forms R708W.
Identifiers: ClinVar variation 2197496 (VCV002197496.2), dbSNP rs200856386, ClinGen allele CA8961201.

ClinVar aggregate classification (germline): Uncertain significance (1 of 4 stars; one submission).

Allele frequency attached by ClinVar (database versions not stated): ExAC 0.00003; 1000 Genomes Project 30x 0.00016; 1000 Genomes Project 0.00020.
gnomAD v4.1: 33 of 1,613,968 alleles (0.002%); highest among the groups gnomAD compares: East Asian, 0.016%; no homozygotes.

Submission:

Labcorp Genetics (formerly Invitae), Labcorp
Classification: Uncertain significance. Last evaluated: 2025-04-09. Review status: criteria provided, single submitter. Criteria: Invitae Variant Classification Sherloc (09022015). Collection method: clinical testing. Allele origin: germline.
Comment: This sequence change replaces arginine, which is basic and polar, with tryptophan, which is neutral and slightly polar, at codon 708 of the MYO5B protein (p.Arg708Trp). This variant is present in population databases (rs200856386, gnomAD 0.02%). This variant has not been reported in the literature in individuals affected with MYO5B-related conditions. ClinVar contains an entry for this variant (Variation ID: 2197496). Invitae Evidence Modeling of protein sequence and biophysical properties (such as structural, functional, and spatial information, amino acid conservation, physicochemical variation, residue mobility, and thermodynamic stability) indicates that this missense variant is not expected to disrupt MYO5B protein function with a negative predictive value of 80%. In summary, the available evidence is currently insufficient to determine the role of this variant in disease. Therefore, it has been classified as a Variant of Uncertain Significance.